The following is an entry in ClinVar:

ClinVar aggregate classification (germline): Likely pathogenic (1 of 4 stars; one submission).

Conditions:
Hyperornithinemia. Also called: Ornithinemia. Identifiers: MedGen C0599035, HP:0012026.

Submission:

Women's Health and Genetics/Laboratory Corporation of America, LabCorp
Classification: Likely pathogenic for Hyperornithinemia. Last evaluated: 2025-03-10. Review status: criteria provided, single submitter. Criteria: LabCorp Variant Classification Summary - May 2015. Collection method: clinical testing. Allele origin: germline.
Comment: Variant summary: OAT c.881_900+49del69 is located in a canonical splice-site and is predicted to affect mRNA splicing resulting in a significantly altered protein due to either exon skipping, shortening, or inclusion of intronic material. Variants that disrupt the consensus splice site are a relatively common cause of aberrant splicing and loss of OAT function. Several computational tools predict a significant impact on normal splicing: Three predict the variant abolishes a 5 splicing donor site. However, these predictions have yet to be confirmed by functional studies. The variant was absent in 250308 control chromosomes. To our knowledge, no occurrence of c.881_900+49del69 in individuals affected with Ornithine Aminotransferase Deficiency and no experimental evidence demonstrating its impact on protein function have been reported. No submitters have cited clinical-significance assessments for this variant to ClinVar. Based on the evidence outlined above, the variant was classified as likely pathogenic.

NM_000274.4(OAT):c.881_900+49del

Gene: OAT (ornithine aminotransferase; minus strand). Cytogenetic location: 10q26.13.
Variant type: Deletion.
Coding change: c.881_900+49del on transcript NM_000274.4 (MANE Select); coding-DNA position 881 through 49 bases into the intron after coding-DNA position 900, 69 bases deleted.
Molecular consequence: splice donor variant.
Genome position (GRCh38, 1-based): chr10:124,402,878-124,402,946, 69 bases deleted. GRCh37 (hg19): chr10:126,091,447-126,091,515.
Other names: c.881_900+49del (NM_001322965.2, NM_001322969.2, NM_001322966.2 and 3 more transcripts); c.467_486+49del (NM_001171814.2); c.281_300+49del (NM_001322974.2); c.560_579+49del (NM_001322971.2); c.881_900+49del69 (NM_000274.4).
Identifiers: ClinVar variation 3895759 (VCV003895759.1).